The following is an entry in ClinVar:

NM_004320.6(ATP2A1):c.1712dup (p.Lys572fs)

Gene: ATP2A1 (ATPase sarcoplasmic/endoplasmic reticulum Ca2+ transporting 1; plus strand). Cytogenetic location: 16p11.2.
Variant type: Duplication.
Coding change: c.1712dup on transcript NM_004320.6 (MANE Select); coding-DNA position 1712, one base duplicated (C; older notation c.1712dupC).
Protein change: p.Lys572fs; shifts the reading frame from lysine 572.
Molecular consequence: frameshift variant.
Genome position (GRCh38, 1-based): chr16:28,898,399, C duplicated; the last of 7 consecutive C bases (chr16:28,898,393-28,898,399); duplicating any one gives the same sequence. VCF-style (leftmost placement, unchanged base first): chr16-28898392-A-AC. GRCh37 (hg19) VCF-style: chr16-28909713-A-AC.
Other names: c.1337dup, p.Lys447fs (NM_001286075.2); c.1712dup, p.Lys572fs (NM_173201.5); short protein forms K447fs, K572fs.
Identifiers: ClinVar variation 2748911 (VCV002748911.3), dbSNP rs772363145, ClinGen allele CA7987056.

ClinVar aggregate classification (germline): Pathogenic (1 of 4 stars; one submission).

Conditions:
Brody myopathy. Also called: BRODY DISEASE. Identifiers: Orphanet 53347, MedGen C1832918, MONDO:0010977, OMIM 601003.

Submission:

Labcorp Genetics (formerly Invitae), Labcorp
Classification: Pathogenic for Brody myopathy. Last evaluated: 2022-10-27. Review status: criteria provided, single submitter. Criteria: Invitae Variant Classification Sherloc (09022015). Collection method: clinical testing. Allele origin: germline.
Comment: The frequency data for this variant in the population databases is considered unreliable, as metrics indicate poor data quality at this position in the gnomAD database. This sequence change creates a premature translational stop signal (p.Lys572Glufs*9) in the ATP2A1 gene. It is expected to result in an absent or disrupted protein product. Loss-of-function variants in ATP2A1 are known to be pathogenic (PMID: 8841193, 10914677, 23911890). This variant has not been reported in the literature in individuals affected with ATP2A1-related conditions. For these reasons, this variant has been classified as Pathogenic.

Literature cited by the submitters: PubMed 8841193; PubMed 10914677; PubMed 23911890.